The following is an entry in ClinVar:

NM_133433.4(NIPBL):c.1395del (p.Tyr466fs)

Gene: NIPBL (NIPBL cohesin loading factor; plus strand). Cytogenetic location: 5p13.2.
Variant type: Deletion.
Coding change: c.1395del on transcript NM_133433.4 (MANE Select); coding-DNA position 1395, one base deleted (A; older notation c.1395delA).
Protein change: p.Tyr466fs; shifts the reading frame from tyrosine 466.
Molecular consequence: frameshift variant.
Genome position (GRCh38, 1-based): chr5:36,976,302, A deleted. VCF-style (leftmost placement, unchanged base first): chr5-36976301-TA-T. GRCh37 (hg19) VCF-style: chr5-36976403-TA-T.
Other names: c.1395del, p.Tyr466fs (NM_015384.5); short protein forms Y466fs.
Identifiers: ClinVar variation 3345687 (VCV003345687.1).
Genomic context (GRCh38, chr5:36,976,301, plus strand): 5'-CAAAACAACCCCAGACTTCTGTGGTACAGAATCAACAACAGATATCACAACAGGGACCTA[TA>T]TATGATGAAGTGGAATTGGATGCATTGGCTGAAATTGAGCGAATAGAGAGAGAATCAGCT-3'

ClinVar aggregate classification (germline): Likely pathogenic (0 of 4 stars; one submission).

Conditions:
NIPBL-related disorder. Also called: NIPBL-related condition.

Submission:

PreventionGenetics, part of Exact Sciences
Classification: Likely pathogenic for NIPBL-related condition. Last evaluated: 2024-05-09. Review status: no assertion criteria provided. Collection method: clinical testing. Allele origin: germline.
Comment: The NIPBL c.1395delA variant is predicted to result in a frameshift and premature protein termination (p.Tyr466Metfs*15). To our knowledge, this variant has not been reported in the literature or in a large population database, indicating this variant is rare. Frameshift variants in NIPBL are expected to be pathogenic. This variant is interpreted as likely pathogenic.